The following is an entry in ClinVar:

ClinVar aggregate classification (germline): Uncertain significance. Review status: criteria provided, multiple submitters, no conflicts (2 of 4 stars). 2 submissions from 2 submitters: Uncertain significance (2). Last evaluated 2025-09-10.

Conditions:
Angelman syndrome (AS). Also called: HAPPY PUPPET SYNDROME. Identifiers: Orphanet 72, MedGen C0162635, MONDO:0007113, OMIM 105830. Disease mechanism: loss of function. Inheritance: imprinting disorder, AS is caused by disruption of maternally imprinted UBE3A located within the 15q11.2-q13 Angelman syndrome/Prader-Willi syndrome (AS/PWS) region..
Inborn genetic diseases. Identifiers: MedGen C0950123, MeSH D030342.

Allele frequency attached by ClinVar (database versions not stated): TOPMed below 0.00001; gnomAD exomes 0.00001.
gnomAD v4.1: 7 of 1,613,746 alleles (0.00043%); highest among the groups gnomAD compares: South Asian, 0.0033%; no homozygotes.

Submissions (2):

Ambry Genetics
Classification: Uncertain significance for Inborn genetic diseases. Last evaluated: 2025-09-10. Review status: criteria provided, single submitter. Criteria: Ambry Variant Classification Scheme 2023. Collection method: clinical testing. Allele origin: germline.

Labcorp Genetics (formerly Invitae), Labcorp
Classification: Uncertain significance for Angelman syndrome. Last evaluated: 2024-09-21. Review status: criteria provided, single submitter. Criteria: Invitae Variant Classification Sherloc (09022015). Collection method: clinical testing. Allele origin: germline.
Comment: This sequence change replaces methionine, which is neutral and non-polar, with leucine, which is neutral and non-polar, at codon 670 of the UBE3A protein (p.Met670Leu). This variant is present in population databases (no rsID available, gnomAD 0.003%). This variant has not been reported in the literature in individuals affected with UBE3A-related conditions. Invitae Evidence Modeling of protein sequence and biophysical properties (such as structural, functional, and spatial information, amino acid conservation, physicochemical variation, residue mobility, and thermodynamic stability) indicates that this missense variant is not expected to disrupt UBE3A protein function with a negative predictive value of 95%. In summary, the available evidence is currently insufficient to determine the role of this variant in disease. Therefore, it has been classified as a Variant of Uncertain Significance.

NM_130839.5(UBE3A):c.2068A>T (p.Met690Leu)

Genes: SNHG14 (small nucleolar RNA host gene 14; plus strand), UBE3A (ubiquitin protein ligase E3A; minus strand). Cytogenetic location: 15q11.2.
Variant type: single nucleotide variant.
Coding change: c.2068A>T on transcript NM_130839.5 (MANE Select); coding-DNA position 2068, A replaced by T.
Protein change: p.Met690Leu; replaces methionine 690 with leucine.
Molecular consequence: missense variant. On other transcripts: non-coding transcript variant (1), intron variant (1).
Genome position (GRCh38, 1-based): chr15:25,355,948, T>A on the plus strand (A>T on the coding strand, the complement: UBE3A is on the minus strand). VCF-style: chr15-25355948-T-A. GRCh37 (hg19) VCF-style: chr15-25601095-T-A.
Other names: c.2077A>T, p.Met693Leu (NM_000462.5); c.2068A>T, p.Met690Leu (NM_001354505.1, NM_001354545.2, NM_001354538.2); c.2008A>T, p.Met670Leu (NM_001354506.2, NM_001354507.2, NM_001354508.2 and 16 more transcripts); c.1891A>T, p.Met631Leu (NM_001354546.2); c.817A>T, p.Met273Leu (NM_001354550.2); c.757A>T, p.Met253Leu (NM_001354551.2); c.1899+743A>T (NM_001354549.2); short protein forms M273L, M670L, M690L, M631L, M693L, M253L.
Identifiers: ClinVar variation 2727166 (VCV002727166.4), dbSNP rs1338192792, ClinGen allele CA391352102.
Genomic context (GRCh38, chr15:25,355,948, plus strand): 5'-TTACCTTCCTGTTTTCATTTGTAATTGGAATTTTATCACCATTTTCCTTTAGATCATACA[T>A]CATTGGGTTACCAAAAAGATCTGTCTGTGATATCTGGAAAGTGATCATCATGTCATCTTC-3'
Protein context (NP_570854.1, residues 680-700): SQTDLFGNPM[Met690Leu]YDLKENGDKI